The following is an entry in ClinVar:

NM_017514.5(PLXNA3):c.3964-7C>T

Gene: PLXNA3 (plexin A3; plus strand). Cytogenetic location: Xq28.
Variant type: single nucleotide variant.
Coding change: c.3964-7C>T on transcript NM_017514.5 (MANE Select); 7 bases into the intron before coding-DNA position 3964, C replaced by T.
Molecular consequence: intron variant.
Genome position (GRCh38, 1-based): chrX:154,468,296, C>T. VCF-style: chrX-154468296-C-T. GRCh37 (hg19) VCF-style: chrX-153696639-C-T.
Identifiers: ClinVar variation 3051763 (VCV003051763.2), dbSNP rs782634194, ClinGen allele CA10564772.

ClinVar aggregate classification (germline): Likely benign (0 of 4 stars; one submission).

Conditions:
PLXNA3-related disorder. Also called: PLXNA3-related condition.

Allele frequency attached by ClinVar (database versions not stated): gnomAD exomes 0.00002; ExAC 0.00005; gnomAD 0.00034; 1000 Genomes Project 0.00053; 1000 Genomes Project 30x 0.00062; TOPMed 0.00094.
gnomAD v4.1: 74 of 1,198,482 alleles (0.0062%); highest among the groups gnomAD compares: Admixed American, 0.11%; no homozygotes.

Submission:

PreventionGenetics, part of Exact Sciences
Classification: Likely benign for PLXNA3-related condition. Last evaluated: 2021-06-28. Review status: no assertion criteria provided. Collection method: clinical testing. Allele origin: germline.
Comment: This variant is classified as likely benign based on ACMG/AMP sequence variant interpretation guidelines (Richards et al. 2015 PMID: 25741868, with internal and published modifications).